The following is an entry in ClinVar:

ClinVar aggregate classification (germline): Uncertain significance (1 of 4 stars; one submission).

Submission:

GeneDx
Classification: Uncertain significance. Last evaluated: 2023-06-01. Review status: criteria provided, single submitter. Criteria: GeneDx Variant Classification Process June 2021. Collection method: clinical testing. Allele origin: germline. Affected: yes.
Comment: Not observed at significant frequency in large population cohorts (gnomAD); In silico analysis supports that this missense variant has a deleterious effect on protein structure/function; Has not been previously published as pathogenic or benign to our knowledge

NM_006514.4(SCN10A):c.2079C>G (p.Phe693Leu)

Gene: SCN10A (sodium voltage-gated channel alpha subunit 10; minus strand). Cytogenetic location: 3p22.2.
Variant type: single nucleotide variant.
Coding change: c.2079C>G on transcript NM_006514.4 (MANE Select); coding-DNA position 2079, C replaced by G.
Protein change: p.Phe693Leu; replaces phenylalanine 693 with leucine.
Molecular consequence: missense variant.
Genome position (GRCh38, 1-based): chr3:38,742,318, G>C on the plus strand (C>G on the coding strand, the complement: SCN10A is on the minus strand). VCF-style: chr3-38742318-G-C. GRCh37 (hg19) VCF-style: chr3-38783809-G-C.
Other names: c.2079C>G, p.Phe693Leu (NM_001293306.2); c.1785C>G, p.Phe595Leu (NM_001293307.2); short protein forms F595L, F693L.
Identifiers: ClinVar variation 3359394 (VCV003359394.1).